The following is an entry in ClinVar:

NM_172107.4(KCNQ2):c.466G>A (p.Gly156Ser)

Gene: KCNQ2 (potassium voltage-gated channel subfamily Q member 2; minus strand). Cytogenetic location: 20q13.33.
Variant type: single nucleotide variant.
Coding change: c.466G>A on transcript NM_172107.4 (MANE Select); coding-DNA position 466, G replaced by A.
Protein change: p.Gly156Ser; replaces glycine 156 with serine.
Molecular consequence: missense variant.
Genome position (GRCh38, 1-based): chr20:63,445,286, C>T on the plus strand (G>A on the coding strand, the complement: KCNQ2 is on the minus strand). VCF-style: chr20-63445286-C-T. GRCh37 (hg19) VCF-style: chr20-62076639-C-T.
Other names: c.466G>A (NM_172107.2); c.466G>A, p.Gly156Ser (NM_001382235.1, NM_004518.6, NM_172106.3 and 2 more transcripts); short protein forms G156S.
Identifiers: ClinVar variation 1398081 (VCV001398081.10), dbSNP rs2145779171, ClinGen allele CA409655272.

ClinVar aggregate classification (germline): Uncertain significance. Review status: criteria provided, multiple submitters, no conflicts (2 of 4 stars). 2 submissions from 2 submitters: Uncertain significance (2). Last evaluated 2024-09-05.

Conditions:
Early-infantile DEE. Also called: Early infantile epileptic encephalopathy with suppression bursts; Early infantile epileptic encephalopathy; Ohtahara syndrome. Identifiers: Orphanet 1934, MedGen C0393706, MONDO:0800491.

Allele frequency attached by ClinVar (database versions not stated): gnomAD exomes below 0.00001.

Submissions (2):

GeneDx
Classification: Uncertain significance. Last evaluated: 2024-09-05. Review status: criteria provided, single submitter. Criteria: GeneDx Variant Classification Process June 2021. Collection method: clinical testing. Allele origin: germline. Affected: yes.
Comment: Not observed at significant frequency in large population cohorts (gnomAD); In silico analysis supports that this missense variant has a deleterious effect on protein structure/function; Has not been previously published as pathogenic or benign to our knowledge; This substitution is predicted to be within the intracellular loop between the S2 and S3 transmembrane segments

Labcorp Genetics (formerly Invitae), Labcorp
Classification: Uncertain significance for Early-infantile DEE. Last evaluated: 2021-05-29. Review status: criteria provided, single submitter. Criteria: Invitae Variant Classification Sherloc (09022015). Collection method: clinical testing. Allele origin: germline.
Comment: This sequence change replaces glycine with serine at codon 156 of the KCNQ2 protein (p.Gly156Ser). The glycine residue is highly conserved and there is a small physicochemical difference between glycine and serine. This variant is not present in population databases (ExAC no frequency). This variant has not been reported in the literature in individuals with KCNQ2-related conditions. Advanced modeling of protein sequence and biophysical properties (such as structural, functional, and spatial information, amino acid conservation, physicochemical variation, residue mobility, and thermodynamic stability) performed at Invitae indicates that this missense variant is expected to disrupt KCNQ2 protein function. Algorithms developed to predict the effect of sequence changes on RNA splicing suggest that this variant may create or strengthen a splice site, but this prediction has not been confirmed by published transcriptional studies. In summary, the available evidence is currently insufficient to determine the role of this variant in disease. Therefore, it has been classified as a Variant of Uncertain Significance.